The following is an entry in ClinVar:

ClinVar aggregate classification (germline): Benign/Likely benign. Review status: criteria provided, multiple submitters, no conflicts (2 of 4 stars). 5 submissions from 5 submitters: Benign (1); Likely benign (4). Last evaluated 2024-11-30.

Conditions:
Hereditary cancer-predisposing syndrome. Also called: Neoplastic Syndromes, Hereditary; Hereditary neoplastic syndrome; Tumor predisposition; Hereditary Cancer Syndrome. Identifiers: Orphanet 140162, MedGen C0027672, MeSH D009386, MONDO:0015356.
Familial cancer of breast. Also called: BREAST CANCER, FAMILIAL; hereditary breast carcinoma; Hereditary breast cancer. Identifiers: Orphanet 227535, MedGen C0346153, MONDO:0016419, OMIM 114480. Disease mechanism: loss of function.
Ataxia-telangiectasia syndrome (AT). Also called: AT, COMPLEMENTATION GROUP C; ATAXIA-TELANGIECTASIA, COMPLEMENTATION GROUP A; ATAXIA-TELANGIECTASIA, FRESNO VARIANT; LOUIS-BAR SYNDROME; Ataxia-telangiectasia; Cerebello-oculocutaneous telangiectasia. Identifiers: Orphanet 100, MedGen C0004135, MONDO:0008840, OMIM 208900.

Allele frequency attached by ClinVar (database versions not stated): gnomAD exomes below 0.00001.
gnomAD v4.1: 1 of 1,614,050 alleles (0.000062%); highest among the groups gnomAD compares: East Asian, 0.0022%; no homozygotes.

Submissions (5):

Labcorp Genetics (formerly Invitae), Labcorp
Classification: Likely benign for Ataxia-telangiectasia syndrome. Last evaluated: 2024-11-30. Review status: criteria provided, single submitter. Criteria: Invitae Variant Classification Sherloc (09022015). Collection method: clinical testing. Allele origin: germline.

Myriad Genetics, Inc.
Classification: Benign for Familial cancer of breast. Last evaluated: 2024-05-14. Review status: criteria provided, single submitter. Criteria: Myriad Autosomal Dominant, Autosomal Recessive and X-Linked Classification Criteria (2023). Collection method: clinical testing. Allele origin: unknown.
Comment: This variant is considered benign. This variant is a silent/synonymous amino acid change and it is not expected to impact splicing.

Color Diagnostics, LLC DBA Color Health
Classification: Likely benign for Hereditary cancer-predisposing syndrome. Last evaluated: 2019-03-08. Review status: criteria provided, single submitter. Criteria: ACMG Guidelines, 2015. Collection method: clinical testing. Allele origin: germline.

GeneDx
Classification: Likely benign. Last evaluated: 2016-04-07. Review status: criteria provided, single submitter. Criteria: GeneDx Variant Classification (06012015). Collection method: clinical testing. Allele origin: germline. Affected: yes.
Comment: This variant is considered likely benign or benign based on one or more of the following criteria: it is a conservative change, it occurs at a poorly conserved position in the protein, it is predicted to be benign by multiple in silico algorithms, and/or has population frequency not consistent with disease.

Ambry Genetics
Classification: Likely benign for Hereditary cancer-predisposing syndrome. Last evaluated: 2016-02-18. Review status: criteria provided, single submitter. Criteria: Ambry Variant Classification Scheme 2023. Collection method: clinical testing. Allele origin: germline.

NM_000051.4(ATM):c.3228A>G (p.Gln1076=)

Gene: ATM (ATM serine/threonine kinase; plus strand). Cytogenetic location: 11q22.3.
Variant type: single nucleotide variant.
Coding change: c.3228A>G on transcript NM_000051.4 (MANE Select); coding-DNA position 3228, A replaced by G.
Protein change: p.Gln1076=; no amino-acid change (glutamine 1076 retained).
Molecular consequence: synonymous variant.
Genome position (GRCh38, 1-based): chr11:108,272,796, A>G. VCF-style: chr11-108272796-A-G. GRCh37 (hg19) VCF-style: chr11-108143523-A-G.
Other names: c.3228A>G, p.Gln1076= (NM_001351834.2).
Identifiers: ClinVar variation 385353 (VCV000385353.13), dbSNP rs1057522201, ClinGen allele CA16606170.
Genomic context (GRCh38, chr11:108,272,796, plus strand): 5'-AAAATGGGCCATTCTTAATGTAATGGGAAAAGACTTTCCTGTAAATGAAGTATTTACACA[A>G]TTTCTTGCTGACAATCATCACCAAGTTCGCATGTTGGCTGCAGAGTCAATCAATAGGTAA-3'
Protein context (NP_000042.3, residues 1066-1086): KDFPVNEVFT[Gln1076=]FLADNHHQVR